The following is an entry in ClinVar:

NM_000440.3(PDE6A):c.1488A>G (p.Pro496=)

Gene: PDE6A (phosphodiesterase 6A; minus strand). Cytogenetic location: 5q32.
Variant type: single nucleotide variant.
Coding change: c.1488A>G on transcript NM_000440.3 (MANE Select); coding-DNA position 1488, A replaced by G.
Protein change: p.Pro496=; no amino-acid change (proline 496 retained).
Molecular consequence: synonymous variant.
Genome position (GRCh38, 1-based): chr5:149,896,488, T>C on the plus strand (A>G on the coding strand, the complement: PDE6A is on the minus strand). VCF-style: chr5-149896488-T-C. GRCh37 (hg19) VCF-style: chr5-149276051-T-C.
Other names: c.1488A>G (NM_000440.2).
Identifiers: ClinVar variation 1637935 (VCV001637935.9), dbSNP rs151252699, ClinGen allele CA3504651.

ClinVar aggregate classification (germline): Likely benign. Review status: criteria provided, multiple submitters, no conflicts (2 of 4 stars). 2 submissions from 2 submitters: Likely benign (2). Last evaluated 2025-03-18.

Conditions:
PDE6A-related disorder. Also called: PDE6A-related condition.

Allele frequency attached by ClinVar (database versions not stated): ExAC 0.00001; gnomAD 0.00001; gnomAD exomes 0.00002; TOPMed 0.00002; ESP Exome Variant Server 0.00008.
gnomAD v4.1: 24 of 1,614,120 alleles (0.0015%); highest among the groups gnomAD compares: Non-Finnish European, 0.0019%; no homozygotes.

Submissions (2):

PreventionGenetics, part of Exact Sciences
Classification: Likely benign for PDE6A-related condition. Last evaluated: 2025-03-18. Review status: criteria provided, single submitter. Criteria: ACMG Guidelines, 2015. Collection method: clinical testing. Allele origin: germline.
Comment: This variant is classified as likely benign based on ACMG/AMP sequence variant interpretation guidelines (Richards et al. 2015 PMID: 25741868, with internal and published modifications).

Labcorp Genetics (formerly Invitae), Labcorp
Classification: Likely benign. Last evaluated: 2022-10-19. Review status: criteria provided, single submitter. Criteria: Invitae Variant Classification Sherloc (09022015). Collection method: clinical testing. Allele origin: germline.